The following is an entry in ClinVar:

NM_001378454.1(ALMS1):c.10016A>G (p.Lys3339Arg)

Gene: ALMS1 (ALMS1 centrosome and basal body associated protein; plus strand). Cytogenetic location: 2p13.1.
Variant type: single nucleotide variant.
Coding change: c.10016A>G on transcript NM_001378454.1 (MANE Select); coding-DNA position 10016, A replaced by G.
Protein change: p.Lys3339Arg; replaces lysine 3339 with arginine.
Molecular consequence: missense variant.
Genome position (GRCh38, 1-based): chr2:73,550,375, A>G. VCF-style: chr2-73550375-A-G. GRCh37 (hg19) VCF-style: chr2-73777502-A-G.
Other names: c.10019A>G, p.Lys3340Arg (NM_015120.4); short protein forms K3340R, K3339R.
Identifiers: ClinVar variation 2704018 (VCV002704018.3), dbSNP rs1674404386, ClinGen allele CA347272239.

ClinVar aggregate classification (germline): Uncertain significance (1 of 4 stars; one submission).

Conditions:
Alstrom syndrome (ALMS). Identifiers: Orphanet 64, MedGen C0268425, MONDO:0008763, OMIM 203800.

Allele frequency attached by ClinVar (database versions not stated): TOPMed below 0.00001.

Submission:

Labcorp Genetics (formerly Invitae), Labcorp
Classification: Uncertain significance for Alstrom syndrome. Last evaluated: 2023-12-19. Review status: criteria provided, single submitter. Criteria: Invitae Variant Classification Sherloc (09022015). Collection method: clinical testing. Allele origin: germline.
Comment: This sequence change replaces lysine, which is basic and polar, with arginine, which is basic and polar, at codon 3340 of the ALMS1 protein (p.Lys3340Arg). This variant is not present in population databases (gnomAD no frequency). This variant has not been reported in the literature in individuals affected with ALMS1-related conditions. Experimental studies and prediction algorithms are not available or were not evaluated, and the functional significance of this variant is currently unknown. In summary, the available evidence is currently insufficient to determine the role of this variant in disease. Therefore, it has been classified as a Variant of Uncertain Significance.